The following is an entry in ClinVar:

NM_000334.4(SCN4A):c.451A>G (p.Ser151Gly)

Gene: SCN4A (sodium voltage-gated channel alpha subunit 4; minus strand). Cytogenetic location: 17q23.3.
Variant type: single nucleotide variant.
Coding change: c.451A>G on transcript NM_000334.4 (MANE Select); coding-DNA position 451, A replaced by G.
Protein change: p.Ser151Gly; replaces serine 151 with glycine.
Molecular consequence: missense variant.
Genome position (GRCh38, 1-based): chr17:63,972,167, T>C on the plus strand (A>G on the coding strand, the complement: SCN4A is on the minus strand). VCF-style: chr17-63972167-T-C. GRCh37 (hg19) VCF-style: chr17-62049527-T-C.
Other names: short protein forms S151G.
Identifiers: ClinVar variation 4810576 (VCV004810576.1).

ClinVar aggregate classification (germline): Uncertain significance (1 of 4 stars; one submission).

Conditions:
Hyperkalemic periodic paralysis. Also called: Familial hyperkalemic periodic paralysis; Gamstorp disease. Identifiers: Orphanet 682, MedGen C0238357, MONDO:0008224, OMIM 170500, HP:0007215.

Submission:

Labcorp Genetics (formerly Invitae), Labcorp
Classification: Uncertain significance for Hyperkalemic periodic paralysis. Last evaluated: 2025-06-09. Review status: criteria provided, single submitter. Criteria: Invitae Variant Classification Sherloc (09022015). Collection method: clinical testing. Allele origin: germline.
Comment: This sequence change replaces serine, which is neutral and polar, with glycine, which is neutral and non-polar, at codon 151 of the SCN4A protein (p.Ser151Gly). This variant is not present in population databases (gnomAD no frequency). This variant has not been reported in the literature in individuals affected with SCN4A-related conditions. Invitae Evidence Modeling of protein sequence and biophysical properties (such as structural, functional, and spatial information, amino acid conservation, physicochemical variation, residue mobility, and thermodynamic stability) has been performed for this missense variant. However, the output from this modeling did not meet the statistical confidence thresholds required to predict the impact of this variant on SCN4A protein function. In summary, the available evidence is currently insufficient to determine the role of this variant in disease. Therefore, it has been classified as a Variant of Uncertain Significance.